The following is an entry in ClinVar:

ClinVar aggregate classification (germline): Uncertain significance (1 of 4 stars; one submission).

Conditions:
Cardiac valvular defect, developmental (CVDP1). Also called: CARDIAC VALVULAR DYSPLASIA 1. Identifiers: MedGen C5774175, MONDO:0008913, OMIM 212093.

Allele frequency attached by ClinVar (database versions not stated): gnomAD exomes 0.00001; TOPMed 0.00001; ExAC 0.00002; gnomAD 0.00002 and 0.00003.
gnomAD v4.1: 23 of 1,613,766 alleles (0.0014%); highest among the groups gnomAD compares: East Asian, 0.0089%; no homozygotes.

Submission:

Baylor Genetics
Classification: Uncertain significance for Cardiac valvular defect, developmental. Last evaluated: 2019-03-28. Review status: criteria provided, single submitter. Criteria: ACMG Guidelines, 2015. Collection method: clinical testing. Allele origin: paternal. Affected: yes.
Comment: This variant was determined to be of uncertain significance according to ACMG Guidelines, 2015 [PMID:25741868].

NM_002662.5(PLD1):c.91C>T (p.Arg31Trp)

Gene: PLD1 (phospholipase D1; minus strand). Cytogenetic location: 3q26.31.
Variant type: single nucleotide variant.
Coding change: c.91C>T on transcript NM_002662.5 (MANE Select); coding-DNA position 91, C replaced by T.
Protein change: p.Arg31Trp; replaces arginine 31 with tryptophan.
Molecular consequence: missense variant.
Genome position (GRCh38, 1-based): chr3:171,737,961, G>A on the plus strand (C>T on the coding strand, the complement: PLD1 is on the minus strand). VCF-style: chr3-171737961-G-A. GRCh37 (hg19) VCF-style: chr3-171455751-G-A.
Other names: c.91C>T, p.Arg31Trp (NM_001130081.3); short protein forms R31W.
Identifiers: ClinVar variation 1029620 (VCV001029620.1), dbSNP rs765460828, ClinGen allele CA2705085.